The following is an entry in ClinVar:

NM_000264.5(PTCH1):c.660_661insAA (p.Glu221fs)

Gene: PTCH1 (patched 1; minus strand). Cytogenetic location: 9q22.32.
Variant type: Insertion.
Coding change: c.660_661insAA on transcript NM_000264.5 (MANE Select); coding-DNA positions 660 to 661, AA inserted.
Protein change: p.Glu221fs; shifts the reading frame from glutamic acid 221.
Molecular consequence: frameshift variant. On other transcripts: non-coding transcript variant (1).
Genome position: GRCh38 VCF-style: chr9-95482034-C-CTT. GRCh37 (hg19) VCF-style: chr9-98244316-C-CTT.
Other names: c.462_463insAA, p.Glu155fs (NM_001354919.2, NM_001083602.3); c.657_658insAA, p.Glu220fs (NM_001083603.3); c.207_208insAA, p.Glu70fs (NM_001083604.3, NM_001083605.3, NM_001083606.3 and 1 more transcripts); c.660_661insAA, p.Glu221fs (NM_001354918.2); c.660_661insAA (NM_000264.3); short protein forms E155fs, E221fs, E70fs, E220fs.
Identifiers: ClinVar variation 1374241 (VCV001374241.7), dbSNP rs2118466784, ClinGen allele CA2573144904.

ClinVar aggregate classification (germline): Pathogenic (1 of 4 stars; one submission).

Conditions:
Gorlin syndrome. Also called: Basal cell nevus syndrome; Nevoid Basal Cell Carcinoma Syndrome. Identifiers: Orphanet 377, MedGen C0004779, MONDO:0007187.

Submission:

Labcorp Genetics (formerly Invitae), Labcorp
Classification: Pathogenic for Gorlin syndrome. Last evaluated: 2021-03-08. Review status: criteria provided, single submitter. Criteria: Invitae Variant Classification Sherloc (09022015). Collection method: clinical testing. Allele origin: germline.
Comment: This sequence change creates a premature translational stop signal (p.Glu221Lysfs*8) in the PTCH1 gene. It is expected to result in an absent or disrupted protein product. Loss-of-function variants in PTCH1 are known to be pathogenic (PMID: 16301862, 16419085). This variant is not present in population databases (ExAC no frequency). This variant has not been reported in the literature in individuals with PTCH1-related conditions. For these reasons, this variant has been classified as Pathogenic.

Literature cited by the submitters: PubMed 16301862 (cited by Labcorp Genetics (formerly Invitae), Labcorp); PubMed 16419085 (cited by Labcorp Genetics (formerly Invitae), Labcorp).